The following is an entry in ClinVar:

NM_001482.3(GATM):c.592T>G (p.Ser198Ala)

Gene: GATM (glycine amidinotransferase; minus strand). Cytogenetic location: 15q21.1.
Variant type: single nucleotide variant.
Coding change: c.592T>G on transcript NM_001482.3 (MANE Select); coding-DNA position 592, T replaced by G.
Protein change: p.Ser198Ala; replaces serine 198 with alanine.
Molecular consequence: missense variant.
Genome position (GRCh38, 1-based): chr15:45,368,153, A>C on the plus strand (T>G on the coding strand, the complement: GATM is on the minus strand). VCF-style: chr15-45368153-A-C. GRCh37 (hg19) VCF-style: chr15-45660351-A-C.
Other names: p.S198A:TCA>GCA; c.205T>G, p.Ser69Ala (NM_001321015.2); short protein forms S198A, S69A.
Identifiers: ClinVar variation 205615 (VCV000205615.5), dbSNP rs796052535, ClinGen allele CA314872.

ClinVar aggregate classification (germline): Uncertain significance. Review status: criteria provided, multiple submitters, no conflicts (2 of 4 stars). 2 submissions from 2 submitters: Uncertain significance (2). Last evaluated 2021-08-04.

Conditions:
Arginine:glycine amidinotransferase deficiency (CCDS3). Also called: AGAT deficiency; L-Arginine:Glycine Amidinotransferase (AGAT) Deficiency; Cerebral creatine deficiency syndrome 3; L-Arginine:Glycine Amidinotransferase Deficiency; Creatine deficiency syndrome due to AGAT deficiency; GATM deficiency. Identifiers: Orphanet 35704, MedGen C2675179, MONDO:0012996, OMIM 612718.

Allele frequency attached by ClinVar (database versions not stated): gnomAD exomes below 0.00001.
gnomAD v4.1: 2 of 1,614,002 alleles (0.00012%); highest among the groups gnomAD compares: Non-Finnish European, 0.00017%; no homozygotes.

Submissions (2):

Labcorp Genetics (formerly Invitae), Labcorp
Classification: Uncertain significance for Arginine:glycine amidinotransferase deficiency. Last evaluated: 2021-08-04. Review status: criteria provided, single submitter. Criteria: Invitae Variant Classification Sherloc (09022015). Collection method: clinical testing. Allele origin: germline.
Comment: This sequence change replaces serine with alanine at codon 198 of the GATM protein (p.Ser198Ala). The serine residue is moderately conserved and there is a moderate physicochemical difference between serine and alanine. This variant is not present in population databases (ExAC no frequency). This variant has not been reported in the literature in individuals affected with GATM-related conditions. ClinVar contains an entry for this variant (Variation ID: 205615). Algorithms developed to predict the effect of missense changes on protein structure and function output the following: SIFT: "Tolerated"; PolyPhen-2: "Benign"; Align-GVGD: "Class C0". The alanine amino acid residue is found in multiple mammalian species, which suggests that this missense change does not adversely affect protein function. In summary, the available evidence is currently insufficient to determine the role of this variant in disease. Therefore, it has been classified as a Variant of Uncertain Significance.

GeneDx
Classification: Uncertain significance. Last evaluated: 2012-10-19. Review status: criteria provided, single submitter. Criteria: GeneDx Variant Classification (06012015). Collection method: clinical testing. Allele origin: germline. Affected: yes.
Comment: p.Ser198Ala (TCA>GCA):c.592 T>G in exon 4 of the GATM gene (NM_001482.2). The Ser198Ala missense change has not been published as a mutation, nor has it been reported as a benign polymorphism to our knowledge. The NHLBI ESP Exome Variant Project has not identified Ser198Ala in approximately 6,500 individuals of European or African American ethnicity, indicating that it is not a common benign variant in these populations. The amino acid substitution is non-conservative as a polar Serine residue is replaced by a non-polar Alanine residue. However, Ser198Ala alters a position in the GATM protein that is not highly conserved and multiple in silico algorithms predict it not pathogenic. In addition, no missense mutations in the GATM gene have been published. Therefore, based on the currently available information, it is unclear whether Ser198Ala is a disease-causing mutation or a rare benign variant. The variant is found in EPILEPSY panel(s).